The following is an entry in ClinVar:

ClinVar aggregate classification (germline): Conflicting classifications of pathogenicity. Review status: criteria provided, conflicting classifications (1 of 4 stars). 4 submissions from 4 submitters: Uncertain significance (3); Likely benign (1). Last evaluated 2026-06-07.

Conditions:
Hereditary cancer-predisposing syndrome. Also called: Neoplastic Syndromes, Hereditary; Tumor predisposition; Hereditary neoplastic syndrome; Hereditary Cancer Syndrome. Identifiers: Orphanet 140162, MedGen C0027672, MeSH D009386, MONDO:0015356.

Submissions (4):

Women's Health and Genetics/Laboratory Corporation of America, LabCorp
Classification: Uncertain significance. Last evaluated: 2026-06-07. Review status: criteria provided, single submitter. Criteria: LabCorp Variant Classification Summary - May 2015. Collection method: clinical testing. Allele origin: germline.

Ambry Genetics
Classification: Uncertain significance for Hereditary cancer-predisposing syndrome. Last evaluated: 2024-01-27. Review status: criteria provided, single submitter. Criteria: Ambry Variant Classification Scheme 2023. Collection method: clinical testing. Allele origin: germline.
Comment: The p.P311R variant (also known as c.932C>G), located in coding exon 9 of the BRCA1 gene, results from a C to G substitution at nucleotide position 932. The proline at codon 311 is replaced by arginine, an amino acid with dissimilar properties. This amino acid position is conserved. In addition, the in silico prediction for this alteration is inconclusive. Based on the available evidence, the clinical significance of this alteration remains unclear.

University of Washington Department of Laboratory Medicine, University of Washington
Classification: Likely benign for Hereditary cancer-predisposing syndrome. Last evaluated: 2023-03-23. Review status: criteria provided, single submitter. Criteria: Dines et al. (Genet Med. 2020). Collection method: curation. Allele origin: germline.
Comment: Missense variant in a coldspot region where missense variants are very unlikely to be pathogenic (PMID:31911673).

BRCA1 coldspot (exon 11 using historical exon numbering). Reclassification based on statistical prior probability

Mendelics
Classification: Uncertain significance. Last evaluated: 2022-05-04. Review status: criteria provided, single submitter. Criteria: Mendelics Assertion Criteria 2019. Collection method: clinical testing. Allele origin: germline.

NM_007294.4(BRCA1):c.932C>G (p.Pro311Arg)

Gene: BRCA1 (BRCA1 DNA repair associated; minus strand). Cytogenetic location: 17q21.31.
Variant type: single nucleotide variant.
Coding change: c.932C>G on transcript NM_007294.4 (MANE Select); coding-DNA position 932, C replaced by G.
Protein change: p.Pro311Arg; replaces proline 311 with arginine.
Molecular consequence: missense variant. On other transcripts: intron variant (137).
Genome position (GRCh38, 1-based): chr17:43,094,599, G>C on the plus strand (C>G on the coding strand, the complement: BRCA1 is on the minus strand). VCF-style: chr17-43094599-G-C. GRCh37 (hg19) VCF-style: chr17-41246616-G-C.
Other names: c.932C>G, p.Pro311Arg (NM_001407620.1, NM_001407621.1, NM_001407622.1 and 30 more transcripts); c.929C>G, p.Pro310Arg (NM_001407627.1, NM_001407628.1, NM_001407629.1 and 22 more transcripts); c.719C>G, p.Pro240Arg (NM_001407571.1, NM_001407915.1, NM_001407916.1 and 9 more transcripts); c.854C>G, p.Pro285Arg (NM_001407653.1, NM_001407654.1, NM_001407655.1 and 4 more transcripts); c.851C>G, p.Pro284Arg (NM_001407659.1, NM_001407660.1, NM_001407661.1 and 1 more transcripts); c.806C>G, p.Pro269Arg (NM_001407671.1, NM_001407672.1, NM_001407673.1 and 11 more transcripts); c.809C>G, p.Pro270Arg (NM_001407674.1, NM_001407675.1, NM_001407676.1 and 19 more transcripts); c.791C>G, p.Pro264Arg (NM_001407692.1, NM_001407694.1, NM_001407695.1 and 29 more transcripts); and 40 more; short protein forms P264R, P311R, P15R, P263R, P184R, P240R, P243R, P269R.
Identifiers: ClinVar variation 1686513 (VCV001686513.6), dbSNP rs1301795658, ClinGen allele CA10600202.